The following is an entry in ClinVar:

ClinVar aggregate classification (germline): Benign/Likely benign. Review status: criteria provided, multiple submitters, no conflicts (2 of 4 stars). 3 submissions from 3 submitters: Benign (2); Likely benign (1). Last evaluated 2023-04-19.

Allele frequency attached by ClinVar (database versions not stated): gnomAD 0.00847; gnomAD exomes 0.00222; ExAC 0.00587; 1000 Genomes Project 0.00799; ESP Exome Variant Server 0.00900; 1000 Genomes Project 30x 0.00937; TOPMed 0.01037.
gnomAD v4.1: 2,861 of 1,565,868 alleles (0.18%); highest among the groups gnomAD compares: African/African-American, 3.3%; 68 homozygotes.

Submissions (3):

Mayo Clinic Laboratories, Mayo Clinic
Classification: Benign. Last evaluated: 2023-04-19. Review status: criteria provided, single submitter. Criteria: ACMG Guidelines, 2015. Collection method: clinical testing. Allele origin: germline. Observed: 8 variant alleles.
Comment: BA1

GeneDx
Classification: Likely benign. Last evaluated: 2020-02-03. Review status: criteria provided, single submitter. Criteria: GeneDx Variant Classification Process June 2021. Collection method: clinical testing. Allele origin: germline. Affected: yes.

Eurofins Ntd Llc (ga)
Classification: Benign. Last evaluated: 2017-01-31. Review status: criteria provided, single submitter. Criteria: EGL Classification Definitions 2015. Collection method: clinical testing. Allele origin: germline. Observed: 1 variant allele, 1 heterozygote.

NM_000404.4(GLB1):c.552+21G>A

Gene: GLB1 (galactosidase beta 1; minus strand). Cytogenetic location: 3p22.3.
Variant type: single nucleotide variant.
Coding change: c.552+21G>A on transcript NM_000404.4 (MANE Select); 21 bases into the intron after coding-DNA position 552, G replaced by A.
Molecular consequence: intron variant.
Genome position (GRCh38, 1-based): chr3:33,065,442, C>T on the plus strand (G>A on the coding strand, the complement: GLB1 is on the minus strand). VCF-style: chr3-33065442-C-T. GRCh37 (hg19) VCF-style: chr3-33106934-C-T.
Other names: p.?; c.552+21G>A (NM_001393580.1); c.340+21G>A (NM_001135602.3); c.696+21G>A (NM_001317040.2); c.462+21G>A (NM_001079811.3).
Identifiers: ClinVar variation 496829 (VCV000496829.8), dbSNP rs76275661, ClinGen allele CA2299670.